The following is an entry in ClinVar:

NC_000002.11:g.(?_61108976)_(61275905_?)dup

Genes: PEX13 (peroxisomal biogenesis factor 13; plus strand), PUS10 (pseudouridine synthase 10; minus strand), REL (REL proto-oncogene, NF-kB subunit; plus strand). Cytogenetic location: 2p16.1.
Variant type: Duplication.
Identifiers: ClinVar variation 2424572 (VCV002424572.1).

ClinVar aggregate classification (germline): Uncertain significance (1 of 4 stars; one submission).

Submission:

Labcorp Genetics (formerly Invitae), Labcorp
Classification: Uncertain significance. Last evaluated: 2022-09-27. Review status: criteria provided, single submitter. Criteria: Invitae Variant Classification Sherloc (09022015). Collection method: clinical testing. Allele origin: germline.
Comment: A copy number gain of the genomic region encompassing the full coding sequence of the REL gene has been identified. The boundaries of this event are unknown as they extend beyond the assayed region for this gene and therefore may encompass additional genes. As the precise location of this event is unknown, it may be in tandem or it may be located elsewhere in the genome. This variant has not been reported in the literature in individuals affected with REL-related conditions. Experimental studies and prediction algorithms are not available or were not evaluated, and the functional significance of this variant is currently unknown. In summary, the available evidence is currently insufficient to determine the role of this variant in disease. Therefore, it has been classified as a Variant of Uncertain Significance.